The following is an entry in ClinVar:

ClinVar aggregate classification (germline): Uncertain significance. Review status: criteria provided, multiple submitters, no conflicts (2 of 4 stars). 2 submissions from 2 submitters: Uncertain significance (2). Last evaluated 2022-04-18.

Conditions:
Left ventricular noncompaction 1 (LVNC1). Also called: LEFT VENTRICULAR NONCOMPACTION 1 WITH OR WITHOUT CONGENITAL HEART DEFECTS. Identifiers: Orphanet 54260, MedGen C1858725, MONDO:0011403, OMIM 604169.

Allele frequency attached by ClinVar (database versions not stated): gnomAD exomes below 0.00001; ExAC 0.00001; gnomAD 0.00001.
gnomAD v4.1: 3 of 1,613,482 alleles (0.00019%); highest among the groups gnomAD compares: African/African-American, 0.0027%; no homozygotes.

Submissions (2):

Labcorp Genetics (formerly Invitae), Labcorp
Classification: Uncertain significance for Left ventricular noncompaction 1. Last evaluated: 2022-04-18. Review status: criteria provided, single submitter. Criteria: Invitae Variant Classification Sherloc (09022015). Collection method: clinical testing. Allele origin: germline.
Comment: Algorithms developed to predict the effect of missense changes on protein structure and function (SIFT, PolyPhen-2, Align-GVGD) all suggest that this variant is likely to be disruptive. This variant has not been reported in the literature in individuals affected with DTNA-related conditions. This variant is present in population databases (rs771510372, gnomAD 0.007%). This sequence change replaces alanine, which is neutral and non-polar, with valine, which is neutral and non-polar, at codon 232 of the DTNA protein (p.Ala232Val). In summary, the available evidence is currently insufficient to determine the role of this variant in disease. Therefore, it has been classified as a Variant of Uncertain Significance.

AiLife Diagnostics
Classification: Uncertain significance. Last evaluated: 2021-12-30. Review status: criteria provided, single submitter. Criteria: ACMG Guidelines, 2015. Collection method: clinical testing. Allele origin: germline. Affected: yes. Observed: 1 variant allele.

NM_001386795.1(DTNA):c.695C>T (p.Ala232Val)

Gene: DTNA (dystrobrevin alpha; plus strand). Cytogenetic location: 18q12.1.
Variant type: single nucleotide variant.
Coding change: c.695C>T on transcript NM_001386795.1 (MANE Select); coding-DNA position 695, C replaced by T.
Protein change: p.Ala232Val; replaces alanine 232 with valine.
Molecular consequence: missense variant. On other transcripts: intron variant (1).
Genome position (GRCh38, 1-based): chr18:34,816,000, C>T. VCF-style: chr18-34816000-C-T. GRCh37 (hg19) VCF-style: chr18-32395964-C-T.
Other names: c.695C>T, p.Ala232Val (NM_001128175.2, NM_001198938.2, NM_001198939.2 and 34 more transcripts); c.603+3887C>T (NM_001198945.2); short protein forms A232V.
Identifiers: ClinVar variation 1677758 (VCV001677758.6), dbSNP rs771510372, ClinGen allele CA8935438.
Genomic context (GRCh38, chr18:34,816,000, plus strand): 5'-CGCTTATGTCAGATCCTCCCCCGCAGTGTCTGGTCTGGTTGCCTCTTCTGCATCGACTAG[C>T]AAATGTGGAAAATGGTGAGTAGTTACTAAGGAGCAAAGGTGATTTTTTAAATTATTGAAA-3'
Protein context (NP_001373724.1, residues 222-242): LVWLPLLHRL[Ala232Val]NVENVFHPVE